The following is an entry in ClinVar:

NM_003047.5(SLC9A1):c.519G>A (p.Ala173=)

Gene: SLC9A1 (solute carrier family 9 member A1; minus strand). Cytogenetic location: 1p36.11.
Variant type: single nucleotide variant.
Coding change: c.519G>A on transcript NM_003047.5 (MANE Select); coding-DNA position 519, G replaced by A.
Protein change: p.Ala173=; no amino-acid change (alanine 173 retained).
Molecular consequence: synonymous variant.
Genome position (GRCh38, 1-based): chr1:27,114,120, C>T on the plus strand (G>A on the coding strand, the complement: SLC9A1 is on the minus strand). VCF-style: chr1-27114120-C-T. GRCh37 (hg19) VCF-style: chr1-27440611-C-T.
Identifiers: ClinVar variation 782368 (VCV000782368.10), dbSNP rs145424221, ClinGen allele CA711310.
Genomic context (GRCh38, chr1:27,114,120, plus strand): 5'-GGCAAAGATCAGGATGGTGCCCAGGTTTTCTGTGAACTGCCGCAGTGGCAGGAAGTAGCC[C>T]GCATCCAGGATGATGGGCGGCAGCAGGAAGAGGAAGAAGACGTCGGACTGCAGGAAGGGG-3'
Protein context (NP_003038.2, residues 163-183): LFLLPPIILD[Ala173=]GYFLPLRQFT

ClinVar aggregate classification (germline): Benign/Likely benign. Review status: criteria provided, multiple submitters, no conflicts (2 of 4 stars). 2 submissions from 2 submitters: Benign (1); Likely benign (1). Last evaluated 2026-07-01.

Allele frequency attached by ClinVar (database versions not stated): gnomAD exomes 0.00040 and 0.00099; ExAC 0.00113; gnomAD 0.00342 and 0.00362; 1000 Genomes Project 0.00359; 1000 Genomes Project 30x 0.00359; ESP Exome Variant Server 0.00392; TOPMed 0.00397.
gnomAD v4.1: 1,120 of 1,614,140 alleles (0.069%); highest among the groups gnomAD compares: African/African-American, 1.2%; 8 homozygotes.

Submissions (2):

CeGaT Center for Human Genetics Tuebingen
Classification: Likely benign. Last evaluated: 2026-07-01. Review status: criteria provided, single submitter. Criteria: CeGaT Center For Human Genetics Tuebingen Variant Classification Criteria Version 2. Collection method: clinical testing. Allele origin: germline. Affected: yes. Observed: 1 variant allele.
Comment: SLC9A1: BP4, BP7, BS1

Labcorp Genetics (formerly Invitae), Labcorp
Classification: Benign. Last evaluated: 2026-01-27. Review status: criteria provided, single submitter. Criteria: Invitae Variant Classification Sherloc (09022015). Collection method: clinical testing. Allele origin: germline.